The following is an entry in ClinVar:

ClinVar aggregate classification (germline): Likely benign (0 of 4 stars; one submission).

Conditions:
JAG2-related disorder. Also called: JAG2-related condition.

gnomAD v4.1: 2 of 1,612,400 alleles (0.00012%); highest among the groups gnomAD compares: African/African-American, 0.0013%; no homozygotes.

Submission:

PreventionGenetics, part of Exact Sciences
Classification: Likely benign for JAG2-related condition. Last evaluated: 2019-09-25. Review status: no assertion criteria provided. Collection method: clinical testing. Allele origin: germline.
Comment: This variant is classified as likely benign based on ACMG/AMP sequence variant interpretation guidelines (Richards et al. 2015 PMID: 25741868, with internal and published modifications).

NM_002226.5(JAG2):c.1683C>T (p.Ala561=)

Gene: JAG2 (jagged canonical Notch ligand 2; minus strand). Cytogenetic location: 14q32.33.
Variant type: single nucleotide variant.
Coding change: c.1683C>T on transcript NM_002226.5 (MANE Select); coding-DNA position 1683, C replaced by T.
Protein change: p.Ala561=; no amino-acid change (alanine 561 retained).
Molecular consequence: synonymous variant.
Genome position (GRCh38, 1-based): chr14:105,149,240, G>A on the plus strand (C>T on the coding strand, the complement: JAG2 is on the minus strand). VCF-style: chr14-105149240-G-A. GRCh37 (hg19) VCF-style: chr14-105615577-G-A.
Other names: c.1569C>T, p.Ala523= (NM_145159.3).
Identifiers: ClinVar variation 3355295 (VCV003355295.1).
Genomic context (GRCh38, chr14:105,149,240, plus strand): 5'-CCCGCCAGGGCACGGCTCGCGGGGCACGGAGCAGTTCTTGCCACCAAAGTCATCAGGGCA[G>A]GCGCAGTAATAGTCACCCTCCAGGTTATAGCAGCGAGCGCCGTTCCGGCAGGGGCTTGGC-3'
Protein context (NP_002217.3, residues 551-571): CYNLEGDYYC[Ala561=]CPDDFGGKNC